The following is an entry in ClinVar:

NM_002473.6(MYH9):c.300C>A (p.Asn100Lys)

Gene: MYH9 (myosin heavy chain 9; minus strand). Cytogenetic location: 22q12.3.
Variant type: single nucleotide variant.
Coding change: c.300C>A on transcript NM_002473.6 (MANE Select); coding-DNA position 300, C replaced by A.
Protein change: p.Asn100Lys; replaces asparagine 100 with lysine.
Molecular consequence: missense variant.
Genome position (GRCh38, 1-based): chr22:36,348,937, G>T on the plus strand (C>A on the coding strand, the complement: MYH9 is on the minus strand). VCF-style: chr22-36348937-G-T. GRCh37 (hg19) VCF-style: chr22-36744982-G-T.
Other names: short protein forms N100K.
Identifiers: ClinVar variation 3061861 (VCV003061861.1), dbSNP rs2518022598, ClinGen allele CA411549095.

ClinVar aggregate classification (germline): Uncertain significance (1 of 4 stars; one submission).

Conditions:
Macrothrombocytopenia and granulocyte inclusions with or without nephritis or sensorineural hearing loss (MATINS). Also called: MAY-HEGGLIN ANOMALY; DOHLE LEUKOCYTE INCLUSIONS WITH GIANT PLATELETS; SEBASTIAN PLATELET SYNDROME; MACROTHROMBOCYTOPENIA WITH DISPERSED LEUKOCYTIC INCLUSIONS; MACROTHROMBOCYTOPENIA, NEPHRITIS, AND DEAFNESS; MACROTHROMBOCYTOPENIA, NEPHRITIS, DEAFNESS, AND LEUKOCYTE INCLUSIONS. Identifiers: Orphanet 182050, MedGen C5200934, MONDO:0015912, OMIM 155100.

Submission:

MVZ Medizinische Genetik Mainz
Classification: Uncertain significance for Macrothrombocytopenia and granulocyte inclusions with or without nephritis or sensorineural hearing loss. Last evaluated: 2024-02-20. Review status: criteria provided, single submitter. Criteria: UK Practice Guidelines For Variant Classification V4 01 2020. Collection method: clinical testing. Allele origin: germline. Inheritance: Autosomal dominant inheritance. Affected: yes. Observed: 1 variant allele.
Comment: PP3_MOD,PM2_SUP,PP2